The following is an entry in ClinVar:

ClinVar aggregate classification (germline): Uncertain significance (1 of 4 stars; one submission).

Conditions:
RASopathy. Also called: rasopathies; Noonan spectrum disorder. Identifiers: Orphanet 536391, MedGen C5555857, MONDO:0021060.

gnomAD v4.1: 3 of 1,611,558 alleles (0.00019%); highest among the groups gnomAD compares: Non-Finnish European, 0.00025%; no homozygotes.

Submission:

Labcorp Genetics (formerly Invitae), Labcorp
Classification: Uncertain significance for RASopathy. Last evaluated: 2024-03-07. Review status: criteria provided, single submitter. Criteria: Invitae Variant Classification Sherloc (09022015). Collection method: clinical testing. Allele origin: germline.
Comment: This sequence change replaces serine, which is neutral and polar, with phenylalanine, which is neutral and non-polar, at codon 675 of the CBL protein (p.Ser675Phe). This variant is not present in population databases (gnomAD no frequency). This variant has not been reported in the literature in individuals affected with CBL-related conditions. Advanced modeling of protein sequence and biophysical properties (such as structural, functional, and spatial information, amino acid conservation, physicochemical variation, residue mobility, and thermodynamic stability) performed at Invitae indicates that this missense variant is not expected to disrupt CBL protein function with a negative predictive value of 95%. In summary, the available evidence is currently insufficient to determine the role of this variant in disease. Therefore, it has been classified as a Variant of Uncertain Significance.

NM_005188.4(CBL):c.2024C>T (p.Ser675Phe)

Gene: CBL (Cbl proto-oncogene; plus strand). Cytogenetic location: 11q23.3.
Variant type: single nucleotide variant.
Coding change: c.2024C>T on transcript NM_005188.4 (MANE Select); coding-DNA position 2024, C replaced by T.
Protein change: p.Ser675Phe; replaces serine 675 with phenylalanine.
Molecular consequence: missense variant.
Genome position (GRCh38, 1-based): chr11:119,287,934, C>T. VCF-style: chr11-119287934-C-T. GRCh37 (hg19) VCF-style: chr11-119158644-C-T.
Other names: short protein forms S675F.
Identifiers: ClinVar variation 3715900 (VCV003715900.2).